The following is an entry in ClinVar:

NM_001278512.2(AP3B2):c.93C>T (p.Ile31=)

Genes: AP3B2 (adaptor related protein complex 3 subunit beta 2; minus strand), LOC130057772 (ATAC-STARR-seq lymphoblastoid silent region 6752; plus strand). Cytogenetic location: 15q25.2.
Variant type: single nucleotide variant.
Coding change: c.93C>T on transcript NM_001278512.2 (MANE Select); coding-DNA position 93, C replaced by T.
Protein change: p.Ile31=; no amino-acid change (isoleucine 31 retained).
Molecular consequence: synonymous variant.
Genome position (GRCh38, 1-based): chr15:82,709,614, G>A on the plus strand (C>T on the coding strand, the complement: AP3B2 is on the minus strand). VCF-style: chr15-82709614-G-A. GRCh37 (hg19) VCF-style: chr15-83378366-G-A.
Other names: c.93C>T, p.Ile31= (NM_001278511.2, NM_001348440.2, NM_004644.5); c.93C>T (NM_004644.4).
Identifiers: ClinVar variation 1600615 (VCV001600615.12), dbSNP rs200226421, ClinGen allele CA7700617.

ClinVar aggregate classification (germline): Benign/Likely benign. Review status: criteria provided, multiple submitters, no conflicts (2 of 4 stars). 4 submissions from 4 submitters: Benign (2); Likely benign (1). 1 of the submissions does not count toward it. Last evaluated 2026-02-02.

Conditions:
AP3B2-related disorder. Also called: AP3B2-related condition.
Developmental and epileptic encephalopathy, 48 (DEE48). Also called: Epileptic encephalopathy, early infantile, 48. Identifiers: MedGen C4310637, MONDO:0015000, OMIM 617276.

Allele frequency attached by ClinVar (database versions not stated): ESP Exome Variant Server 0.00423; 1000 Genomes Project 0.00499; 1000 Genomes Project 30x 0.00515; TOPMed 0.00914; gnomAD 0.01110 and 0.01142; ExAC 0.01619.
gnomAD v4.1: 19,986 of 1,513,306 alleles (1.3%); highest among the groups gnomAD compares: Non-Finnish European, 1.5%; 201 homozygotes.

Submissions (4):

Labcorp Genetics (formerly Invitae), Labcorp
Classification: Benign. Last evaluated: 2026-02-02. Review status: criteria provided, single submitter. Criteria: Invitae Variant Classification Sherloc (09022015). Collection method: clinical testing. Allele origin: germline.

Fulgent Genetics
Classification: Likely benign for Developmental and epileptic encephalopathy, 48. Last evaluated: 2021-09-24. Review status: criteria provided, single submitter. Criteria: ACMG Guidelines, 2015. Collection method: clinical testing. Allele origin: unknown.

Breakthrough Genomics
Classification: Benign. Review status: criteria provided, single submitter. Criteria: ACMG Guidelines, 2015. Collection method: not provided. Allele origin: germline. Inheritance: Autosomal recessive inheritance. Affected: yes.

PreventionGenetics, part of Exact Sciences
Classification: Benign for AP3B2-related condition. Last evaluated: 2019-07-12. Review status: no assertion criteria provided. Collection method: clinical testing. Allele origin: germline. Not counted in ClinVar's aggregate classification.
Comment: This variant is classified as benign based on ACMG/AMP sequence variant interpretation guidelines (Richards et al. 2015 PMID: 25741868, with internal and published modifications).